The following is an entry in ClinVar:

NM_001200.4(BMP2):c.10G>C (p.Gly4Arg)

Gene: BMP2 (bone morphogenetic protein 2; plus strand). Cytogenetic location: 20p12.3.
Variant type: single nucleotide variant.
Coding change: c.10G>C on transcript NM_001200.4 (MANE Select); coding-DNA position 10, G replaced by C.
Protein change: p.Gly4Arg; replaces glycine 4 with arginine.
Molecular consequence: missense variant.
Genome position (GRCh38, 1-based): chr20:6,770,136, G>C. VCF-style: chr20-6770136-G-C. GRCh37 (hg19) VCF-style: chr20-6750783-G-C.
Other names: short protein forms G4R.
Identifiers: ClinVar variation 5020903 (VCV005020903.1).
Genomic context (GRCh38, chr20:6,770,136, plus strand): 5'-ACTGGGCGGGGAACTCGGGTGACTCACGTCGGTCCTGTCCGCAGGTCGACCATGGTGGCC[G>C]GGACCCGCTGTCTTCTAGCGTTGCTGCTTCCCCAGGTCCTCCTGGGCGGCGCGGCTGGCC-3'
Protein context (NP_001191.1, residues 1-14): MVA[Gly4Arg]TRCLLALLLP

ClinVar aggregate classification (germline): Uncertain significance (1 of 4 stars; one submission).

Submission:

Dasa
Classification: Uncertain significance. Last evaluated: 2025-08-02. Review status: criteria provided, single submitter. Criteria: DASA Assertion Criteria. Collection method: clinical testing. Allele origin: germline.
Comment: NM_001200.4(BMP2):c.10G>C (p.Gly4Arg) is a missense variant that results in the substitution of glycine with arginine. This variant is absent from population databases. Computational prediction algorithms are consistent with a benign effect. The currently available literature and clinical evidence are not sufficient to establish a definitive association between this variant and the reported condition. Therefore, this variant is classified as a variant of uncertain significance.